The following is an entry in ClinVar:

ClinVar aggregate classification (germline): Uncertain significance (3 of 4 stars; one submission).

Conditions:
Hereditary thrombocytopenia and hematologic cancer predisposition syndrome. Identifiers: Orphanet 71290, MedGen CN281654, MONDO:0011071.

Submission:

ClinGen Myeloid Malignancy Variant Curation Expert Panel
Classification: Uncertain significance for Hereditary thrombocytopenia and hematologic cancer predisposition syndrome. Last evaluated: 2024-08-01. Review status: reviewed by expert panel. Criteria: ClinGen MyeloMalig ACMG Specifications v2. Collection method: curation. Allele origin: germline. Inheritance: Autosomal dominant inheritance.
Comment: NM_001754.5(RUNX1):c.493G>C (p.Gly165Arg) is a missense variant. This variant is completely absent from all population databases with at least 20x coverage for RUNX1 (PM2_supporting). This variant has a REVEL score greater than 0.88 (0.952) and a SpliceAI score less than 0.20 (0.01, 8bp, Donor Loss) (PP3). This missense variant is located within the Runt Homology Domain (AA 89-204), but does not occur in an established hotspot residue (PM1_supporting). This variant has been reported in one proband meeting at least one of the RUNX1 phenotypic criteria (PS4_supporting; PMID: 29797310, Table 2). In summary, the clinical significance of this variant is uncertain. ACMG/AMP criteria applied, as specified by the Myeloid Malignancy Variant Curation Expert Panel for RUNX1: PM2_supporting, PP3, PM1_supporting, PS4_supporting.

NM_001754.5(RUNX1):c.493G>C (p.Gly165Arg)

Genes: RUNX1 (RUNX family transcription factor 1; minus strand), RUNX1-AS1 (RUNX1 antisense RNA 1; plus strand). Cytogenetic location: 21q22.12.
Variant type: single nucleotide variant.
Coding change: c.493G>C on transcript NM_001754.5 (MANE Select); coding-DNA position 493, G replaced by C.
Protein change: p.Gly165Arg; replaces glycine 165 with arginine.
Molecular consequence: missense variant.
Genome position (GRCh38, 1-based): chr21:34,880,572, C>G on the plus strand (G>C on the coding strand, the complement: RUNX1 is on the minus strand). VCF-style: chr21-34880572-C-G. GRCh37 (hg19) VCF-style: chr21-36252869-C-G.
Other names: NM_001754.5:c.493G>C; c.412G>C, p.Gly138Arg (NM_001001890.3, NM_001122607.2); short protein forms G138R, G165R.
Identifiers: ClinVar variation 3336846 (VCV003336846.2).